The following is an entry in ClinVar:

ClinVar aggregate classification (germline): Uncertain significance (1 of 4 stars; one submission).

Submission:

Labcorp Genetics (formerly Invitae), Labcorp
Classification: Uncertain significance. Last evaluated: 2024-02-22. Review status: criteria provided, single submitter. Criteria: Invitae Variant Classification Sherloc (09022015). Collection method: clinical testing. Allele origin: germline.
Comment: This sequence change replaces serine, which is neutral and polar, with asparagine, which is neutral and polar, at codon 1679 of the COL11A2 protein (p.Ser1679Asn). This variant is not present in population databases (gnomAD no frequency). This variant has not been reported in the literature in individuals affected with COL11A2-related conditions. Advanced modeling of protein sequence and biophysical properties (such as structural, functional, and spatial information, amino acid conservation, physicochemical variation, residue mobility, and thermodynamic stability) performed at Invitae indicates that this missense variant is not expected to disrupt COL11A2 protein function with a negative predictive value of 95%. In summary, the available evidence is currently insufficient to determine the role of this variant in disease. Therefore, it has been classified as a Variant of Uncertain Significance.

NM_080680.3(COL11A2):c.5036G>A (p.Ser1679Asn)

Gene: COL11A2 (collagen type XI alpha 2 chain; minus strand). Cytogenetic location: 6p21.32.
Variant type: single nucleotide variant.
Coding change: c.5036G>A on transcript NM_080680.3 (MANE Select); coding-DNA position 5036, G replaced by A.
Protein change: p.Ser1679Asn; replaces serine 1679 with asparagine.
Molecular consequence: missense variant.
Genome position (GRCh38, 1-based): chr6:33,164,301, C>T on the plus strand (G>A on the coding strand, the complement: COL11A2 is on the minus strand). VCF-style: chr6-33164301-C-T. GRCh37 (hg19) VCF-style: chr6-33132078-C-T.
Other names: c.4856G>A, p.Ser1619Asn (NM_001424108.1); c.4190G>A, p.Ser1397Asn (NM_001424109.1); c.4010G>A, p.Ser1337Asn (NM_001424110.1, NM_001424111.1); c.2990G>A, p.Ser997Asn (NM_001424112.1); c.4715G>A, p.Ser1572Asn (NM_080679.3); c.4778G>A, p.Ser1593Asn (NM_080681.3); short protein forms S1572N, S1593N, S1619N, S1679N, S997N, S1337N, S1397N.
Identifiers: ClinVar variation 3632315 (VCV003632315.2).
Genomic context (GRCh38, chr6:33,164,301, plus strand): 5'-CCCAACCCAGCTCTTCCTGTTCCCACCTGGCAGCCATCTCTGAATTCTTTGACATAGGGG[C>T]TAGTCTCCGGGCTCAGCTCATCCTCATTGGCCCCACGGAGTCTCAGGGGACCGTCACGGG-3'
Protein context (NP_542411.2, residues 1669-1689): ANEDELSPET[Ser1679Asn]PYVKEFRDGC